The following is an entry in ClinVar:

ClinVar aggregate classification (germline): Uncertain significance. Review status: criteria provided, multiple submitters, no conflicts (2 of 4 stars). 3 submissions from 3 submitters: Uncertain significance (3). Last evaluated 2025-10-21.

Conditions:
Malignant hyperthermia, susceptibility to, 1 (MHS1). Also called: RYR1-Related Malignant Hyperthermia Susceptibility; Malignant hyperthermia suceptibility 1; Anesthesia related hyperthermia; Malignant hyperpyrexia; Fulminating hyperpyrexia; Pharmacogenic myopathy. Identifiers: Orphanet 423, MedGen C2930980, MONDO:0007783, OMIM 145600.
RYR1-related disorder. Also called: RYR1-related disorders; RYR1-related condition. Identifiers: MedGen CN239331.
Inborn genetic diseases. Identifiers: MedGen C0950123, MeSH D030342.

Submissions (3):

Ambry Genetics
Classification: Uncertain significance for Inborn genetic diseases. Last evaluated: 2025-10-21. Review status: criteria provided, single submitter. Criteria: Ambry Variant Classification Scheme 2023. Collection method: clinical testing. Allele origin: germline.

All of Us Research Program, National Institutes of Health
Classification: Uncertain significance for Malignant hyperthermia, susceptibility to, 1. Last evaluated: 2023-05-31. Review status: criteria provided, single submitter. Criteria: ACMG Guidelines, 2015. Collection method: clinical testing. Allele origin: germline. Inheritance: Autosomal dominant inheritance. Observed: 1 variant allele, 1 heterozygote.
Comment: This study involves interpretation of variants in research participants for the purpose of population health screening. Participant phenotype was not available at the time of variant classification. Additional details can be found in publication PMID: 35346344, PMCID: PMC8962531

Labcorp Genetics (formerly Invitae), Labcorp
Classification: Uncertain significance for RYR1-related disorder. Last evaluated: 2022-12-04. Review status: criteria provided, single submitter. Criteria: Invitae Variant Classification Sherloc (09022015). Collection method: clinical testing. Allele origin: germline.
Comment: This sequence change replaces alanine, which is neutral and non-polar, with threonine, which is neutral and polar, at codon 255 of the RYR1 protein (p.Ala255Thr). In summary, the available evidence is currently insufficient to determine the role of this variant in disease. Therefore, it has been classified as a Variant of Uncertain Significance. Advanced modeling of protein sequence and biophysical properties (such as structural, functional, and spatial information, amino acid conservation, physicochemical variation, residue mobility, and thermodynamic stability) has been performed at Invitae for this missense variant, however the output from this modeling did not meet the statistical confidence thresholds required to predict the impact of this variant on RYR1 protein function. This variant has not been reported in the literature in individuals affected with RYR1-related conditions. This variant is not present in population databases (gnomAD no frequency).

NM_000540.3(RYR1):c.763G>A (p.Ala255Thr)

Gene: RYR1 (ryanodine receptor 1; plus strand). Cytogenetic location: 19q13.2.
Variant type: single nucleotide variant.
Coding change: c.763G>A on transcript NM_000540.3 (MANE Select); coding-DNA position 763, G replaced by A.
Protein change: p.Ala255Thr; replaces alanine 255 with threonine.
Molecular consequence: missense variant.
Genome position (GRCh38, 1-based): chr19:38,446,731, G>A. VCF-style: chr19-38446731-G-A. GRCh37 (hg19) VCF-style: chr19-38937371-G-A.
Other names: c.763G>A, p.Ala255Thr (NM_001042723.2); short protein forms A255T.
Identifiers: ClinVar variation 2741517 (VCV002741517.5), dbSNP rs2513987960, ClinGen allele CA405680316.
Genomic context (GRCh38, chr19:38,446,731, plus strand): 5'-TTCACTCTCTTCTGTGTCCCCAGACTTGTCTACTATGAGGGGGGAGCTGTGTGCACTCAT[G>A]CCCGCTCCCTCTGGAGGCTGGAGCCACTGAGAATCAGGTAGGGCGGGGAAGATGGGGAGA-3'
Protein context (NP_000531.2, residues 245-265): YYEGGAVCTH[Ala255Thr]RSLWRLEPLR